The following is an entry in ClinVar:

NM_002109.6(HARS1):c.730G>A (p.Val244Met)

Gene: HARS1 (histidyl-tRNA synthetase 1; minus strand). Cytogenetic location: 5q31.3.
Variant type: single nucleotide variant.
Coding change: c.730G>A on transcript NM_002109.6 (MANE Select); coding-DNA position 730, G replaced by A.
Protein change: p.Val244Met; replaces valine 244 with methionine.
Molecular consequence: missense variant.
Genome position (GRCh38, 1-based): chr5:140,677,420, C>T on the plus strand (G>A on the coding strand, the complement: HARS1 is on the minus strand). VCF-style: chr5-140677420-C-T. GRCh37 (hg19) VCF-style: chr5-140057005-C-T.
Other names: c.610G>A, p.Val204Met (NM_001258040.3); c.670G>A, p.Val224Met (NM_001258041.3); c.550G>A, p.Val184Met (NM_001258042.3); c.508G>A, p.Val170Met (NM_001289092.2); c.388G>A, p.Val130Met (NM_001289093.2); c.643G>A, p.Val215Met (NM_001289094.2); short protein forms V130M, V204M, V170M, V244M, V184M, V215M, V224M.
Identifiers: ClinVar variation 2067123 (VCV002067123.4), dbSNP rs770291420, ClinGen allele CA361254312.
Genomic context (GRCh38, chr5:140,677,420, plus strand): 5'-CCACCTCAGGTGCAAGGCCCTTCTCTCCCACCATCTCATTCTTCACCTCTTCCCAGGACA[C>T]CTAGGCAGACAGACACCAGTCAGGGACCCCTGGGCAGCTTCCGCACCACAGAGCAAGTGT-3'
Protein context (NP_002100.2, residues 234-254): ICSSVDKLDK[Val244Met]SWEEVKNEMV

ClinVar aggregate classification (germline): Uncertain significance (1 of 4 stars; one submission).

Conditions:
Usher syndrome type 3B. Also called: USHER SYNDROME, TYPE IIIB. Identifiers: MedGen C3281066, MONDO:0013788, OMIM 614504.

Submission:

Labcorp Genetics (formerly Invitae), Labcorp
Classification: Uncertain significance for Usher syndrome type 3B. Last evaluated: 2022-01-03. Review status: criteria provided, single submitter. Criteria: Invitae Variant Classification Sherloc (09022015). Collection method: clinical testing. Allele origin: germline.
Comment: In summary, the available evidence is currently insufficient to determine the role of this variant in disease. Therefore, it has been classified as a Variant of Uncertain Significance. Algorithms developed to predict the effect of sequence changes on RNA splicing suggest that this variant may disrupt the consensus splice site. Algorithms developed to predict the effect of missense changes on protein structure and function output the following: SIFT: "Tolerated"; PolyPhen-2: "Benign"; Align-GVGD: "Class C0". The methionine amino acid residue is found in multiple mammalian species, which suggests that this missense change does not adversely affect protein function. This variant has not been reported in the literature in individuals affected with HARS-related conditions. This variant is not present in population databases (gnomAD no frequency). This sequence change replaces valine, which is neutral and non-polar, with methionine, which is neutral and non-polar, at codon 244 of the HARS protein (p.Val244Met).